The following is an entry in ClinVar:

ClinVar aggregate classification (germline): Uncertain significance (1 of 4 stars; one submission).

Allele frequency attached by ClinVar (database versions not stated): gnomAD exomes below 0.00001; ExAC 0.00001.
gnomAD v4.1: 1 of 1,614,198 alleles (0.000062%); highest among the groups gnomAD compares: Non-Finnish European, 0.000085%; no homozygotes.

Submission:

GeneDx
Classification: Uncertain significance. Last evaluated: 2019-10-14. Review status: criteria provided, single submitter. Criteria: GeneDx Variant Classification Process June 2021. Collection method: clinical testing. Allele origin: germline. Affected: yes.
Comment: Not observed at a significant frequency in large population cohorts (Lek et al., 2016); In silico analysis, which includes protein predictors and evolutionary conservation, supports a deleterious effect; Has not been previously published as pathogenic or benign to our knowledge

NM_000540.3(RYR1):c.686G>A (p.Cys229Tyr)

Gene: RYR1 (ryanodine receptor 1; plus strand). Cytogenetic location: 19q13.2.
Variant type: single nucleotide variant.
Coding change: c.686G>A on transcript NM_000540.3 (MANE Select); coding-DNA position 686, G replaced by A.
Protein change: p.Cys229Tyr; replaces cysteine 229 with tyrosine.
Molecular consequence: missense variant.
Genome position (GRCh38, 1-based): chr19:38,446,526, G>A. VCF-style: chr19-38446526-G-A. GRCh37 (hg19) VCF-style: chr19-38937166-G-A.
Other names: c.686G>A, p.Cys229Tyr (NM_001042723.2); short protein forms C229Y.
Identifiers: ClinVar variation 1309006 (VCV001309006.2), dbSNP rs765606076, ClinGen allele CA068828.
Genomic context (GRCh38, chr19:38,446,526, plus strand): 5'-CTCCAGGCTTCGTGACGGGAGGTCACGTCCTCCGCCTCTTTCATGGACATATGGATGAGT[G>A]TCTGACCATTTCCCCTGCTGACAGTGATGACCAGCGCAGGTCTGGGCTGTGGACGAGAGG-3'
Protein context (NP_000531.2, residues 219-239): LRLFHGHMDE[Cys229Tyr]LTISPADSDD